The following is an entry in ClinVar:

ClinVar aggregate classification (germline): Uncertain significance (1 of 4 stars; one submission).

Submission:

Labcorp Genetics (formerly Invitae), Labcorp
Classification: Uncertain significance. Last evaluated: 2024-02-17. Review status: criteria provided, single submitter. Criteria: Invitae Variant Classification Sherloc (09022015). Collection method: clinical testing. Allele origin: germline.
Comment: This variant, c.3850_3852del, results in the deletion of 1 amino acid(s) of the AHDC1 protein (p.Lys1284del), but otherwise preserves the integrity of the reading frame. This variant is present in population databases (no rsID available, gnomAD 0.0009%). This variant has been observed in individual(s) with clinical features of AHDC1-related conditions (Invitae). Experimental studies and prediction algorithms are not available or were not evaluated, and the functional significance of this variant is currently unknown. In summary, the available evidence is currently insufficient to determine the role of this variant in disease. Therefore, it has been classified as a Variant of Uncertain Significance.

NM_001371928.1(AHDC1):c.3847AAG[1] (p.Lys1284del)

Gene: AHDC1 (AT-hook DNA binding motif containing 1; minus strand). Cytogenetic location: 1p36.11.
Variant type: Microsatellite.
Coding change: c.3847AAG[1] on transcript NM_001371928.1 (MANE Select); one copy of the 3-base unit AAG starting at c.3847; the reference has two copies in a row; one copy, 3 bases deleted.
Protein change: p.Lys1284del; deletes lysine 1284.
Genome position (GRCh38, 1-based): chr1:27,548,264-27,548,266, CTT deleted on the plus strand (AAG on the coding strand, the reverse complement: AHDC1 is on the minus strand); deleting any 3 consecutive bases within chr1:27,548,264-27,548,269 gives the same sequence; the position shown is the placement nearest the transcript's 3' end. VCF-style (leftmost placement, unchanged base first): chr1-27548263-CCTT-C. GRCh37 (hg19) VCF-style: chr1-27874774-CCTT-C.
Other names: c.3847AAG[1], p.Lys1284del (NM_001029882.3); short protein forms K1284del.
Identifiers: ClinVar variation 3641664 (VCV003641664.2).